The following is an entry in ClinVar:

NM_007194.4(CHEK2):c.115T>C (p.Ser39Pro)

Gene: CHEK2 (checkpoint kinase 2; minus strand). Cytogenetic location: 22q12.1.
Variant type: single nucleotide variant.
Coding change: c.115T>C on transcript NM_007194.4 (MANE Select); coding-DNA position 115, T replaced by C.
Protein change: p.Ser39Pro; replaces serine 39 with proline.
Molecular consequence: missense variant.
Genome position (GRCh38, 1-based): chr22:28,734,607, A>G on the plus strand (T>C on the coding strand, the complement: CHEK2 is on the minus strand). VCF-style: chr22-28734607-A-G. GRCh37 (hg19) VCF-style: chr22-29130595-A-G.
Other names: c.115T>C, p.Ser39Pro (NM_001005735.3, NM_001349956.3, NM_145862.3); c.-663T>C (NM_001257387.3); short protein forms S39P.
Identifiers: ClinVar variation 410024 (VCV000410024.29), dbSNP rs1060502696, ClinGen allele CA16616578.

ClinVar aggregate classification (germline): Uncertain significance. Review status: criteria provided, multiple submitters, no conflicts (2 of 4 stars). 8 submissions from 8 submitters: Uncertain significance (5). 3 of the submissions do not count toward it. Last evaluated 2026-02-02.

Conditions:
Hereditary cancer-predisposing syndrome. Also called: Tumor predisposition; Hereditary neoplastic syndrome; Hereditary Cancer Syndrome; Neoplastic Syndromes, Hereditary. Identifiers: Orphanet 140162, MedGen C0027672, MeSH D009386, MONDO:0015356.
Familial cancer of breast. Also called: hereditary breast carcinoma; BREAST CANCER, FAMILIAL; Hereditary breast cancer. Identifiers: Orphanet 227535, MedGen C0346153, MONDO:0016419, OMIM 114480. Disease mechanism: loss of function.

Allele frequency attached by ClinVar (database versions not stated): gnomAD exomes 0.00001.
gnomAD v4.1: 11 of 1,613,986 alleles (0.00068%); highest among the groups gnomAD compares: Non-Finnish European, 0.00093%; no homozygotes.

Submissions (8):

Labcorp Genetics (formerly Invitae), Labcorp
Classification: Uncertain significance for Familial cancer of breast. Last evaluated: 2026-02-02. Review status: criteria provided, single submitter. Criteria: Invitae Variant Classification Sherloc (09022015). Collection method: clinical testing. Allele origin: germline.
Comment: This sequence change replaces serine, which is neutral and polar, with proline, which is neutral and non-polar, at codon 39 of the CHEK2 protein (p.Ser39Pro). This variant is not present in population databases (gnomAD no frequency). This variant has not been reported in the literature in individuals affected with CHEK2-related conditions. ClinVar contains an entry for this variant (Variation ID: 410024). An algorithm developed to predict the effect of missense changes on protein structure and function (PolyPhen-2) suggests that this variant is likely to be tolerated. Experimental studies have shown that this missense change does not substantially affect CHEK2 function (PMID: 37449874). In summary, the available evidence is currently insufficient to determine the role of this variant in disease. Therefore, it has been classified as a Variant of Uncertain Significance.

CeGaT Center for Human Genetics Tuebingen
Classification: Uncertain significance. Last evaluated: 2025-09-01. Review status: criteria provided, single submitter. Criteria: CeGaT Center For Human Genetics Tuebingen Variant Classification Criteria Version 2. Collection method: clinical testing. Allele origin: germline. Affected: yes. Observed: 1 variant allele.
Comment: CHEK2: PM2

Ambry Genetics
Classification: Uncertain significance for Hereditary cancer-predisposing syndrome. Last evaluated: 2025-07-08. Review status: criteria provided, single submitter. Criteria: Ambry Variant Classification Scheme 2023. Collection method: clinical testing. Allele origin: germline.
Comment: The p.S39P variant (also known as c.115T>C), located in coding exon 1 of the CHEK2 gene, results from a T to C substitution at nucleotide position 115. The serine at codon 39 is replaced by proline, an amino acid with similar properties. This alteration has been reported in at least one subject in a study of 13087 breast cancer cases and 5488 control individuals in the UK (Decker B et al. J Med Genet, 2017 Nov;54:732-741). This variant was reported as functional in a study assessing CHEK2-complementation through quantification of KAP1 phosphorylation and CHK2 autophosphorylation in human RPE1-CHEK2-knockout cells (Stolarova L et al. Clin Cancer Res, 2023 Aug;29:3037-3050). This amino acid position is well conserved in available vertebrate species. In addition, the in silico prediction for this alteration is inconclusive. Based on the available evidence, the clinical significance of this variant remains unclear.

Color Diagnostics, LLC DBA Color Health
Classification: Uncertain significance for Hereditary cancer-predisposing syndrome. Last evaluated: 2023-10-27. Review status: criteria provided, single submitter. Criteria: ACMG Guidelines, 2015. Collection method: clinical testing. Allele origin: germline.
Comment: This missense variant replaces serine with proline at codon 39 of the CHEK2 protein. Computational prediction suggests that this variant may not impact protein structure and function (internally defined REVEL score threshold <= 0.5, PMID: 27666373). In CHEK2-complementation assays in human CHEK2-knockout cells, this variant did not impact CHK2 autophosphorylation or KAP1 phosphorylation (PMID: 37449874). This variant has been reported in two large breast cancer case-control meta analyses; in 1/73048 cases and 1/88658 controls (PMID: 37449874), and 4/60466 cases and 0/53461 unaffected controls (PMID: 33471991; Leiden Open Variation Database DB-ID CHEK2_000254). This variant has not been identified in the general population by the Genome Aggregation Database (gnomAD). The available evidence is insufficient to determine the role of this variant in disease conclusively. Therefore, this variant is classified as a Variant of Uncertain Significance.

Baylor Genetics
Classification: Uncertain significance for Familial cancer of breast. Last evaluated: 2023-07-11. Review status: criteria provided, single submitter. Criteria: ACMG Guidelines, 2015. Collection method: clinical testing. Allele origin: unknown.

Clinical Genetics DNA and cytogenetics Diagnostics Lab, Erasmus MC, Erasmus Medical Center
Classification: Uncertain significance. Review status: no assertion criteria provided. Collection method: clinical testing. Allele origin: germline. Affected: yes. Study: VKGL Data-share Consensus. Not counted in ClinVar's aggregate classification.

Genome Diagnostics Laboratory, Amsterdam University Medical Center
Classification: Uncertain significance. Review status: no assertion criteria provided. Collection method: clinical testing. Allele origin: germline. Affected: yes. Study: VKGL Data-share Consensus. Not counted in ClinVar's aggregate classification.

Joint Genome Diagnostic Labs from Nijmegen and Maastricht, Radboudumc and MUMC+
Classification: Uncertain significance. Review status: no assertion criteria provided. Collection method: clinical testing. Allele origin: germline. Affected: yes. Study: VKGL Data-share Consensus. Not counted in ClinVar's aggregate classification.

Literature cited by the submitters: PubMed 37449874 (cited by 3 submitters); PubMed 28779002 (cited by Ambry Genetics); PubMed 33471991 (cited by Color Diagnostics, LLC DBA Color Health).